The following is an entry in ClinVar:

ClinVar aggregate classification (germline): Uncertain significance (1 of 4 stars; one submission).

Submission:

Labcorp Genetics (formerly Invitae), Labcorp
Classification: Uncertain significance. Last evaluated: 2025-09-04. Review status: criteria provided, single submitter. Criteria: Invitae Variant Classification Sherloc (09022015). Collection method: clinical testing. Allele origin: germline.
Comment: This sequence change replaces serine, which is neutral and polar, with asparagine, which is neutral and polar, at codon 192 of the CFI protein (p.Ser192Asn). This variant is present in population databases (no rsID available, gnomAD 0.0009%). This variant has not been reported in the literature in individuals affected with CFI-related conditions. ClinVar contains an entry for this variant (Variation ID: 2987040). Invitae Evidence Modeling of protein sequence and biophysical properties (such as structural, functional, and spatial information, amino acid conservation, physicochemical variation, residue mobility, and thermodynamic stability) indicates that this missense variant is expected to disrupt CFI protein function with a positive predictive value of 80%. In summary, the available evidence is currently insufficient to determine the role of this variant in disease. Therefore, it has been classified as a Variant of Uncertain Significance.

NM_000204.5(CFI):c.575G>A (p.Ser192Asn)

Gene: CFI (complement factor I; minus strand). Cytogenetic location: 4q25.
Variant type: single nucleotide variant.
Coding change: c.575G>A on transcript NM_000204.5 (MANE Select); coding-DNA position 575, G replaced by A.
Protein change: p.Ser192Asn; replaces serine 192 with asparagine.
Molecular consequence: missense variant. On other transcripts: 5 prime UTR variant (1), non-coding transcript variant (3).
Genome position (GRCh38, 1-based): chr4:109,761,600, C>T on the plus strand (G>A on the coding strand, the complement: CFI is on the minus strand). VCF-style: chr4-109761600-C-T. GRCh37 (hg19) VCF-style: chr4-110682756-C-T.
Other names: c.575G>A, p.Ser192Asn (NM_001318057.2, NM_001331035.2, NM_001375278.1 and 5 more transcripts); c.-35G>A (NM_001375284.1); short protein forms S192N.
Identifiers: ClinVar variation 2987040 (VCV002987040.3), dbSNP rs1315322416, ClinGen allele CA357862798.